The following is an entry in ClinVar:

ClinVar aggregate classification (germline): Conflicting classifications of pathogenicity. Review status: criteria provided, conflicting classifications (1 of 4 stars). 2 submissions from 2 submitters: Uncertain significance (1); Likely benign (1). Last evaluated 2025-01-08.

Conditions:
Hereditary cancer-predisposing syndrome. Also called: Neoplastic Syndromes, Hereditary; Tumor predisposition; Hereditary Cancer Syndrome; Hereditary neoplastic syndrome. Identifiers: Orphanet 140162, MedGen C0027672, MeSH D009386, MONDO:0015356.

Allele frequency attached by ClinVar (database versions not stated): TOPMed below 0.00001; gnomAD 0.00001.
gnomAD v4.1: 2 of 1,613,976 alleles (0.00012%); highest among the groups gnomAD compares: Non-Finnish European, 0.00017%; no homozygotes.

Submissions (2):

Labcorp Genetics (formerly Invitae), Labcorp
Classification: Uncertain significance. Last evaluated: 2025-01-08. Review status: criteria provided, single submitter. Criteria: Invitae Variant Classification Sherloc (09022015). Collection method: clinical testing. Allele origin: germline.
Comment: This sequence change replaces isoleucine, which is neutral and non-polar, with leucine, which is neutral and non-polar, at codon 170 of the POLE protein (p.Ile170Leu). This variant is not present in population databases (gnomAD no frequency). This variant has not been reported in the literature in individuals affected with POLE-related conditions. ClinVar contains an entry for this variant (Variation ID: 473710). Invitae Evidence Modeling of protein sequence and biophysical properties (such as structural, functional, and spatial information, amino acid conservation, physicochemical variation, residue mobility, and thermodynamic stability) indicates that this missense variant is not expected to disrupt POLE protein function with a negative predictive value of 80%. In summary, the available evidence is currently insufficient to determine the role of this variant in disease. Therefore, it has been classified as a Variant of Uncertain Significance.

Ambry Genetics
Classification: Likely benign for Hereditary cancer-predisposing syndrome. Last evaluated: 2024-12-23. Review status: criteria provided, single submitter. Criteria: Ambry Variant Classification Scheme 2023. Collection method: clinical testing. Allele origin: germline.

NM_006231.4(POLE):c.508A>C (p.Ile170Leu)

Gene: POLE (DNA polymerase epsilon, catalytic subunit; minus strand). Cytogenetic location: 12q24.33.
Variant type: single nucleotide variant.
Coding change: c.508A>C on transcript NM_006231.4 (MANE Select); coding-DNA position 508, A replaced by C.
Protein change: p.Ile170Leu; replaces isoleucine 170 with leucine.
Molecular consequence: missense variant.
Genome position (GRCh38, 1-based): chr12:132,679,567, T>G on the plus strand (A>C on the coding strand, the complement: POLE is on the minus strand). VCF-style: chr12-132679567-T-G. GRCh37 (hg19) VCF-style: chr12-133256153-T-G.
Other names: short protein forms I170L.
Identifiers: ClinVar variation 473710 (VCV000473710.12), dbSNP rs1331686551, ClinGen allele CA387367104.